The following is an entry in ClinVar:

ClinVar aggregate classification (germline): Conflicting classifications of pathogenicity. Review status: criteria provided, conflicting classifications (1 of 4 stars). 16 submissions from 15 submitters: Likely pathogenic (1); Uncertain significance (9); Likely benign (4). 2 of the submissions do not count toward it. Last evaluated 2026-09-01.

Conditions:
Dilated cardiomyopathy 1G (CMD1G). Identifiers: Orphanet 154, MedGen C1858763, MONDO:0011400, OMIM 604145.
Autosomal recessive limb-girdle muscular dystrophy type 2J (LGMDR10). Also called: MUSCULAR DYSTROPHY, LIMB-GIRDLE, AUTOSOMAL RECESSIVE 10; Limb-girdle muscular dystrophy, type 2J. Identifiers: Orphanet 140922, MedGen C1837342, MONDO:0012127, OMIM 608807.
TTN-related disorder. Also called: TTN-related disorders; TTN-related condition; TTN-related disease.
Cardiomyopathy (CMYO). Also called: Cardiomyopathies. Identifiers: Orphanet 167848, MedGen C0878544, MONDO:0004994, HP:0001638. Inheritance: Various modes of inheritance.
Primary dilated cardiomyopathy (DCM). Also called: Dilated Cardiomyopathy. Identifiers: Orphanet 217604, MedGen C0007193, MeSH D002311, MONDO:0005021, HP:0001644. Inheritance: Various modes of inheritance.
Tip-toe gait. Also called: Toe walking. Identifiers: MedGen C0427144, HP:0030051.

Allele frequency attached by ClinVar (database versions not stated): gnomAD exomes 0.00034; gnomAD 0.00046 and 0.00048; ExAC 0.00027; TOPMed 0.00040; ESP Exome Variant Server 0.00042.
gnomAD v4.1: 844 of 1,612,568 alleles (0.052%); highest among the groups gnomAD compares: Non-Finnish European, 0.069%; no homozygotes.

Submissions 1 to 8 of 16:

CeGaT Center for Human Genetics Tuebingen
Classification: Uncertain significance. Last evaluated: 2026-09-01. Review status: criteria provided, single submitter. Criteria: CeGaT Center For Human Genetics Tuebingen Variant Classification Criteria Version 2. Collection method: clinical testing. Allele origin: germline. Affected: yes. Observed: 6 variant alleles.
Comment: TTN: PVS1:Moderate

GeneDx
Classification: Uncertain significance. Last evaluated: 2026-08-31. Review status: criteria provided, single submitter. Criteria: GeneDx Variant Classification Process June 2021. Collection method: clinical testing. Allele origin: germline.
Comment: Reported in individuals with hypertrophic cardiomyopathy (HCM), dilated cardiomyopathy (DCM), and peripartum cardiomyopathy (PMID: 26735901, 23396983, 25589632, 29961767, 33874732, 32815318); Canonical splice site variant in a gene or region of a gene for which loss of function is not a well-established mechanism of disease; Also known as c.28031-1 G>A, c.31763-1G>A, and g.179554624 C>T due to the use of alternate transcripts and/or nomenclature; This variant is associated with the following publications: (PMID: 23396983, 25589632, 26777568, 24980681, 29961767, 30724488, 33874732, 33106378, 35177841, 31691645, 30535219, 29988065, 27813223, 26735901, 32815318, 33226272)

PreventionGenetics, part of Exact Sciences
Classification: Uncertain significance for TTN-related condition. Last evaluated: 2026-04-13. Review status: criteria provided, single submitter. Criteria: ACMG Guidelines, 2015. Collection method: clinical testing. Allele origin: germline.
Comment: The TTN c.31763-1G>A variant is predicted to disrupt the AG splice acceptor site and interfere with normal splicing. This variant, also described as c.28031-1G>A in NM_133378.4, has been reported in individuals with dilated cardiomyopathy (DCM), peripartum cardiomyopathy (PPCM), or atrial fibrillation, but has also been observed in unaffected controls (Tables S1 & S13, Roberts et al. 2015. PubMed ID: 25589632; Table S2, Ware et al. 2016. PubMed ID: 26735901; Table S1, Jansweijer et al. 2017. PubMed ID: 27813223; eTable 5, Choi et al. 2018. PubMed ID: 30535219). Of note, this variant failed to co-segregate with disease in a family with DCM (Minoche et al. 2019. PubMed ID: 29961767). This variant has also been reported in an individual with HCM, but they were also heterozygous for a pathogenic frameshift in the MYBPC3 gene that was a more likely explanation for their reported phenotype (Lopes et al. 2013. PubMed ID: 23396983). This variant affects the canonical splice site of an exon that is located in the I-band region of the TTN protein. RNA sequencing studies from heart tissue indicate this exon is not constitutively included in TTN mRNA transcripts (PSI of 78%-88%, Roberts et al. 2015. PubMed ID: 25589632), and exon-skipping caused by this variant is expected to result in an in-frame deletion of 28 amino acids. This variant is reported in 0.068% of alleles in individuals of European (Non-Finnish) descent in gnomAD. Although we suspect that this variant may be benign, the clinical significance of this variant is uncertain at this time due to the absence of conclusive functional and genetic evidence.

Labcorp Genetics (formerly Invitae), Labcorp
Classification: Likely benign for Dilated cardiomyopathy 1G; Autosomal recessive limb-girdle muscular dystrophy type 2J. Last evaluated: 2026-01-25. Review status: criteria provided, single submitter. Criteria: Invitae Variant Classification Sherloc (09022015). Collection method: clinical testing. Allele origin: germline.

Mayo Clinic Laboratories, Mayo Clinic
Classification: Uncertain significance. Last evaluated: 2025-09-19. Review status: criteria provided, single submitter. Criteria: ACMG Guidelines, 2015. Collection method: clinical testing. Allele origin: germline. Observed: 2 variant alleles.
Comment: BS1, PVS1_moderate

Revvity Omics, Revvity
Classification: Uncertain significance. Last evaluated: 2025-02-20. Review status: criteria provided, single submitter. Criteria: ACMG Guidelines, 2015. Collection method: clinical testing. Allele origin: germline.

Women's Health and Genetics/Laboratory Corporation of America, LabCorp
Classification: Likely benign. Last evaluated: 2025-01-16. Review status: criteria provided, single submitter. Criteria: LabCorp Variant Classification Summary - May 2015. Collection method: clinical testing. Allele origin: germline.
Comment: Variant summary: TTN c.28031-1G>A is located in a canonical splice-site and is predicted to affect mRNA splicing resulting in a significantly altered protein due to either exon skipping, shortening, or inclusion of intronic material. Several computational tools predict a significant impact on normal splicing: One predict the variant abolishes a 3 acceptor site. Two predict the variant creates a 3 cryptic acceptor site. However, these predictions have yet to be confirmed by functional studies. Variants that disrupt the consensus splice site are a relatively common cause of aberrant splicing and loss of TTN function. Loss of function variants in all TTN bands are strongly associated with a spectrum of autosomal recessive titinopathies when exon expression (proportion spliced in, PSI, 1=complete expression) in skeletal muscle is >0.1 (PMID: 36977548, 39198997, 29598826, 32778822, 29691892, 33449170, 36977548, internal data). In contrast, loss of function variants in all TTN bands are only strongly associated with autosomal dominant TTN-related cardiomyopathies if located in exons constitutively expressed (PSI >0.9) in cardiac muscle, excluding extreme C-terminal exons 359-363 (PMID: 25589632, 31216868, 32964742, 34662387, 27869827, Shetty et al., Nat Cardiovasc Res 2024,, internal data). This variant has a maximum skeletal muscle PSI of 0.882 and a maximum cardiac muscle PSI of 0.780. The variant allele was found at a frequency of 0.00034 in 248510 control chromosomes, predominantly at a frequency of 0.00068 within the Non-Finnish European subpopulation in the gnomAD database. The observed variant frequency within Non-Finnish European control individuals in the gnomAD database is approximately 2-fold of the estimated maximal expected allele frequency for a pathogenic variant in TTN causing Autosomal Recessive Titinopathy phenotype (0.00039). c.28031-1G>A has been reported in the literature in the heterozygous state in individuals affected with hypertrophic cardiomyopathy, dilated cardiomyopathy, peripartum cardiomyopathy, atrial fibrillation, ventricular arrhythmia, heart failure, mitral valve disease, and supraventricular tachycardia (Lopes_2013, Roberts_2015, Ware_2016, Jansweijer_2017, Choi_2018, Verhagen_2018, Minoche_2019, Choi_2020, Goli_2021, Vissing_2021, Jurgens_2022), but it was also detected in multiple controls (Choi_2018, Choi_2020, Jurgens_2022). In at least one of the studies the variant was found to incompletely segregate with disease in affected members of one family (Minoche_2019). These reports do not provide unequivocal conclusions about association of the variant with Dilated Cardiomyopathy or Autosomal Recessive Titinopathy. To our knowledge, no experimental evidence demonstrating an impact on protein function has been reported. The following publications have been ascertained in the context of this evaluation (PMID: 26777568, 31691645, 30535219, 33874732, 27813223, 35177841, 23396983, 29961767, 25589632, 29988065, 33106378, 26735901). ClinVar contains an entry for this variant (Variation ID: 46855). Based on the evidence outlined above, the variant was classified as likely benign.

Blueprint Genetics
Classification: Likely benign. Last evaluated: 2024-07-19. Review status: criteria provided, single submitter. Criteria: ACMG Guidelines, 2015. Collection method: clinical testing. Allele origin: germline.

NM_001267550.2(TTN):c.31763-1G>A

Gene: TTN (titin; minus strand). Cytogenetic location: 2q31.2.
Variant type: single nucleotide variant.
Coding change: c.31763-1G>A on transcript NM_001267550.2 (MANE Select); the canonical splice acceptor site of the intron before coding-DNA position 31763, G replaced by A.
Molecular consequence: splice acceptor variant. On other transcripts: intron variant (3).
Genome position (GRCh38, 1-based): chr2:178,689,897, C>T on the plus strand (G>A on the coding strand, the complement: TTN is on the minus strand). VCF-style: chr2-178689897-C-T. GRCh37 (hg19) VCF-style: chr2-179554624-C-T.
Other names: c.31763-1G>A (LRG_391t1); c.13283-47580G>A (NM_003319.4); c.13859-47580G>A (NM_133437.4); c.13658-47580G>A (NM_133432.3); c.28031-1G>A (NM_133378.4); c.30812-1G>A (NM_001256850.1).
Identifiers: ClinVar variation 46855 (VCV000046855.106), dbSNP rs202234172, ClinGen allele CA139366.